The following is an entry in ClinVar:

ClinVar aggregate classification (germline): Likely benign. Review status: criteria provided, multiple submitters, no conflicts (2 of 4 stars). 6 submissions from 6 submitters: Likely benign (6). Last evaluated 2026-06-16.

Conditions:
Inborn genetic diseases. Identifiers: MedGen C0950123, MeSH D030342.
Hereditary spastic paraplegia 30. Identifiers: Orphanet 101010, MedGen C5235139, MONDO:0012476.
Neuropathy, hereditary sensory, type 2C. Also called: Hereditary sensory and autonomic neuropathy type IIC; KIF1A-Related HSAN2 (HSAN2C). Identifiers: Orphanet 970, MedGen C3280168, MONDO:0013634, OMIM 614213.
Intellectual disability, autosomal dominant 9 (NESCAVS). Also called: NESCAV SYNDROME; KIF1A-Related Neurodevelopmental Disorder. Identifiers: Orphanet 662367, MedGen C5393830, MONDO:0013656, OMIM 614255.

Allele frequency attached by ClinVar (database versions not stated): ExAC 0.00004; gnomAD exomes 0.00004 and 0.00011; TOPMed 0.00006; ESP Exome Variant Server 0.00008; gnomAD 0.00008 and 0.00009.
gnomAD v4.1: 177 of 1,612,376 alleles (0.011%); highest among the groups gnomAD compares: Middle Eastern, 0.016%; no homozygotes.

Submissions (6):

Women's Health and Genetics/Laboratory Corporation of America, LabCorp
Classification: Likely benign. Last evaluated: 2026-06-16. Review status: criteria provided, single submitter. Criteria: LabCorp Variant Classification Summary - May 2015. Collection method: clinical testing. Allele origin: germline.

Labcorp Genetics (formerly Invitae), Labcorp
Classification: Likely benign for Hereditary spastic paraplegia 30; Neuropathy, hereditary sensory, type 2C; Intellectual disability, autosomal dominant 9. Last evaluated: 2025-11-16. Review status: criteria provided, single submitter. Criteria: Invitae Variant Classification Sherloc (09022015). Collection method: clinical testing. Allele origin: germline.

CeGaT Center for Human Genetics Tuebingen
Classification: Likely benign. Last evaluated: 2025-01-01. Review status: criteria provided, single submitter. Criteria: CeGaT Center For Human Genetics Tuebingen Variant Classification Criteria Version 2. Collection method: clinical testing. Allele origin: germline. Affected: yes. Observed: 1 variant allele.
Comment: KIF1A: BP4, BP7

Blueprint Genetics
Classification: Likely benign. Last evaluated: 2024-05-21. Review status: criteria provided, single submitter. Criteria: ACMG Guidelines, 2015. Collection method: clinical testing. Allele origin: germline.

GeneDx
Classification: Likely benign. Last evaluated: 2021-02-20. Review status: criteria provided, single submitter. Criteria: GeneDx Variant Classification Process June 2021. Collection method: clinical testing. Allele origin: germline. Affected: yes.

Ambry Genetics
Classification: Likely benign for Inborn genetic diseases. Last evaluated: 2019-07-11. Review status: criteria provided, single submitter. Criteria: Ambry Variant Classification Scheme 2023. Collection method: clinical testing. Allele origin: germline.

NM_001244008.2(KIF1A):c.5091C>T (p.Phe1697=)

Gene: KIF1A (kinesin family member 1A; minus strand). Cytogenetic location: 2q37.3.
Variant type: single nucleotide variant.
Coding change: c.5091C>T on transcript NM_001244008.2 (MANE Select); coding-DNA position 5091, C replaced by T.
Protein change: p.Phe1697=; no amino-acid change (phenylalanine 1697 retained).
Molecular consequence: synonymous variant.
Genome position (GRCh38, 1-based): chr2:240,719,129, G>A on the plus strand (C>T on the coding strand, the complement: KIF1A is on the minus strand). VCF-style: chr2-240719129-G-A. GRCh37 (hg19) VCF-style: chr2-241658546-G-A.
Other names: c.4815C>T, p.Phe1605= (NM_001320705.2, NM_001379649.1); c.4842C>T, p.Phe1614= (NM_001330289.2); c.4890C>T, p.Phe1630= (NM_001330290.2, NM_001379648.1); c.5166C>T, p.Phe1722= (NM_001379631.1); c.5067C>T, p.Phe1689= (NM_001379632.1); c.5064C>T, p.Phe1688= (NM_001379633.1, NM_001379645.1); c.4917C>T, p.Phe1639= (NM_001379634.1); c.4914C>T, p.Phe1638= (NM_001379635.1, NM_001379646.1); and 7 more.
Identifiers: ClinVar variation 510033 (VCV000510033.31), dbSNP rs372903282, ClinGen allele CA2207178.